The following is an entry in ClinVar:

ClinVar aggregate classification (germline): Uncertain significance (1 of 4 stars; one submission).

Submission:

Labcorp Genetics (formerly Invitae), Labcorp
Classification: Uncertain significance. Last evaluated: 2025-07-06. Review status: criteria provided, single submitter. Criteria: Invitae Variant Classification Sherloc (09022015). Collection method: clinical testing. Allele origin: germline.
Comment: This sequence change replaces alanine, which is neutral and non-polar, with threonine, which is neutral and polar, at codon 826 of the PHIP protein (p.Ala826Thr). This variant is not present in population databases (gnomAD no frequency). This variant has not been reported in the literature in individuals affected with PHIP-related conditions. Invitae Evidence Modeling of protein sequence and biophysical properties (such as structural, functional, and spatial information, amino acid conservation, physicochemical variation, residue mobility, and thermodynamic stability) indicates that this missense variant is not expected to disrupt PHIP protein function with a negative predictive value of 95%. In summary, the available evidence is currently insufficient to determine the role of this variant in disease. Therefore, it has been classified as a Variant of Uncertain Significance.

NM_017934.7(PHIP):c.2476G>A (p.Ala826Thr)

Gene: PHIP (PHIP subunit of CUL4-Ring ligase complex; minus strand). Cytogenetic location: 6q14.1.
Variant type: single nucleotide variant.
Coding change: c.2476G>A on transcript NM_017934.7 (MANE Select); coding-DNA position 2476, G replaced by A.
Protein change: p.Ala826Thr; replaces alanine 826 with threonine.
Molecular consequence: missense variant.
Genome position (GRCh38, 1-based): chr6:78,985,413, C>T on the plus strand (G>A on the coding strand, the complement: PHIP is on the minus strand). VCF-style: chr6-78985413-C-T. GRCh37 (hg19) VCF-style: chr6-79695130-C-T.
Other names: short protein forms A826T.
Identifiers: ClinVar variation 4746731 (VCV004746731.1).